The following is an entry in ClinVar:

NM_006005.3(WFS1):c.2144G>A (p.Ser715Asn)

Gene: WFS1 (wolframin ER transmembrane glycoprotein; plus strand). Cytogenetic location: 4p16.1.
Variant type: single nucleotide variant.
Coding change: c.2144G>A on transcript NM_006005.3 (MANE Select); coding-DNA position 2144, G replaced by A.
Protein change: p.Ser715Asn; replaces serine 715 with asparagine.
Molecular consequence: missense variant.
Genome position (GRCh38, 1-based): chr4:6,301,939, G>A. VCF-style: chr4-6301939-G-A. GRCh37 (hg19) VCF-style: chr4-6303666-G-A.
Other names: c.2144G>A, p.Ser715Asn (NM_001145853.1); short protein forms S715N.
Identifiers: ClinVar variation 2826385 (VCV002826385.3), dbSNP rs772022154, ClinGen allele CA356177875.
Genomic context (GRCh38, chr4:6,301,939, plus strand): 5'-GCCACAGGGTCACGTGGACCGGCCGCTTCAAGTACGTCCGCGTGACTGACATCGACAACA[G>A]CGCCGAGTCTGCCATCAACATGCTCCCGTTCTTCATCGGCGACTGGATGCGCTGCCTCTA-3'
Protein context (NP_005996.2, residues 705-725): KYVRVTDIDN[Ser715Asn]AESAINMLPF

ClinVar aggregate classification (germline): Uncertain significance (1 of 4 stars; one submission).

Submission:

Labcorp Genetics (formerly Invitae), Labcorp
Classification: Uncertain significance. Last evaluated: 2024-04-08. Review status: criteria provided, single submitter. Criteria: Invitae Variant Classification Sherloc (09022015). Collection method: clinical testing. Allele origin: germline.
Comment: This sequence change replaces serine, which is neutral and polar, with asparagine, which is neutral and polar, at codon 715 of the WFS1 protein (p.Ser715Asn). This variant is not present in population databases (gnomAD no frequency). This variant has not been reported in the literature in individuals affected with WFS1-related conditions. Advanced modeling of protein sequence and biophysical properties (such as structural, functional, and spatial information, amino acid conservation, physicochemical variation, residue mobility, and thermodynamic stability) performed at Invitae indicates that this missense variant is not expected to disrupt WFS1 protein function with a negative predictive value of 95%. In summary, the available evidence is currently insufficient to determine the role of this variant in disease. Therefore, it has been classified as a Variant of Uncertain Significance.